The following is an entry in ClinVar:

NM_002109.6(HARS1):c.494G>A (p.Arg165His)

Gene: HARS1 (histidyl-tRNA synthetase 1; minus strand). Cytogenetic location: 5q31.3.
Variant type: single nucleotide variant.
Coding change: c.494G>A on transcript NM_002109.6 (MANE Select); coding-DNA position 494, G replaced by A.
Protein change: p.Arg165His; replaces arginine 165 with histidine.
Molecular consequence: missense variant. On other transcripts: intron variant (4).
Genome position (GRCh38, 1-based): chr5:140,679,030, C>T on the plus strand (G>A on the coding strand, the complement: HARS1 is on the minus strand). VCF-style: chr5-140679030-C-T. GRCh37 (hg19) VCF-style: chr5-140058615-C-T.
Other names: c.374G>A, p.Arg125His (NM_001258040.3); c.407G>A, p.Arg136His (NM_001289094.2); c.181-1015G>A (NM_001289093.2); c.342+32G>A (NM_001258042.3); c.301-1015G>A (NM_001289092.2); c.462+32G>A (NM_001258041.3); short protein forms R125H, R136H, R165H.
Identifiers: ClinVar variation 1019008 (VCV001019008.8), dbSNP rs373522589, ClinGen allele CA3444098.

ClinVar aggregate classification (germline): Uncertain significance. Review status: criteria provided, multiple submitters, no conflicts (2 of 4 stars). 3 submissions from 3 submitters: Uncertain significance (3). Last evaluated 2026-01-21.

Conditions:
HARS1-related disorder. Also called: HARS1-related condition.
Usher syndrome type 3B. Also called: USHER SYNDROME, TYPE IIIB. Identifiers: MedGen C3281066, MONDO:0013788, OMIM 614504.

Allele frequency attached by ClinVar (database versions not stated): ExAC 0.00001; gnomAD exomes 0.00001 and 0.00002; TOPMed 0.00002; gnomAD 0.00004; ESP Exome Variant Server 0.00008.
gnomAD v4.1: 30 of 1,613,860 alleles (0.0019%); highest among the groups gnomAD compares: East Asian, 0.011%; no homozygotes.

Submissions (3):

PreventionGenetics, part of Exact Sciences
Classification: Uncertain significance for HARS1-related condition. Last evaluated: 2026-01-21. Review status: criteria provided, single submitter. Criteria: ACMG Guidelines, 2015. Collection method: clinical testing. Allele origin: germline.
Comment: The HARS1 c.494G>A variant is predicted to result in the amino acid substitution p.Arg165His. To our knowledge, this variant has not been reported in the literature. This variant is reported in 0.0062% of alleles in individuals of African descent in gnomAD. At this time, the clinical significance of this variant is uncertain due to the absence of conclusive functional and genetic evidence.

Labcorp Genetics (formerly Invitae), Labcorp
Classification: Uncertain significance for Usher syndrome type 3B. Last evaluated: 2025-04-17. Review status: criteria provided, single submitter. Criteria: Invitae Variant Classification Sherloc (09022015). Collection method: clinical testing. Allele origin: germline.
Comment: This sequence change replaces arginine, which is basic and polar, with histidine, which is basic and polar, at codon 165 of the HARS protein (p.Arg165His). This variant is present in population databases (rs373522589, gnomAD 0.007%). This variant has not been reported in the literature in individuals affected with HARS-related conditions. ClinVar contains an entry for this variant (Variation ID: 1019008). Invitae Evidence Modeling of protein sequence and biophysical properties (such as structural, functional, and spatial information, amino acid conservation, physicochemical variation, residue mobility, and thermodynamic stability) indicates that this missense variant is not expected to disrupt HARS protein function with a negative predictive value of 80%. In summary, the available evidence is currently insufficient to determine the role of this variant in disease. Therefore, it has been classified as a Variant of Uncertain Significance.

GeneDx
Classification: Uncertain significance. Last evaluated: 2022-05-16. Review status: criteria provided, single submitter. Criteria: GeneDx Variant Classification Process June 2021. Collection method: clinical testing. Allele origin: germline. Affected: yes.
Comment: In silico analysis supports that this missense variant has a deleterious effect on protein structure/function; Has not been previously published as pathogenic or benign to our knowledge